The following is an entry in ClinVar:

ClinVar aggregate classification (germline): Pathogenic (1 of 4 stars; one submission).

Conditions:
Polyhydramnios, megalencephaly, and symptomatic epilepsy (PMSE). Also called: PMSE SYNDROME. Identifiers: Orphanet 500533, MedGen C1970203, MONDO:0012611, OMIM 611087.

Submission:

Labcorp Genetics (formerly Invitae), Labcorp
Classification: Pathogenic for Polyhydramnios, megalencephaly, and symptomatic epilepsy. Last evaluated: 2024-01-14. Review status: criteria provided, single submitter. Criteria: Invitae Variant Classification Sherloc (09022015). Collection method: clinical testing. Allele origin: germline.
Comment: This sequence change creates a premature translational stop signal (p.Pro34Leufs*17) in the STRADA gene. It is expected to result in an absent or disrupted protein product. Loss-of-function variants in STRADA are known to be pathogenic (PMID: 17522105, 27170158). This variant is not present in population databases (gnomAD no frequency). This variant has not been reported in the literature in individuals affected with STRADA-related conditions. For these reasons, this variant has been classified as Pathogenic.

Literature cited by the submitters: PubMed 17522105; PubMed 27170158.

NM_001003787.4(STRADA):c.101del (p.Pro34fs)

Gene: STRADA (STE20 related adaptor alpha; minus strand). Cytogenetic location: 17q23.3.
Variant type: Deletion.
Coding change: c.101del on transcript NM_001003787.4 (MANE Select); coding-DNA position 101, one base deleted (C; older notation c.101delC).
Protein change: p.Pro34fs; shifts the reading frame from proline 34.
Molecular consequence: frameshift variant. On other transcripts: non-coding transcript variant (1), intron variant (10).
Genome position (GRCh38, 1-based): chr17:63,723,320, G deleted on the plus strand (C on the coding strand, the reverse complement: STRADA is on the minus strand); the first of 2 consecutive G bases (chr17:63,723,320-63,723,321); deleting either gives the same sequence. VCF-style (leftmost placement, unchanged base first): chr17-63723319-AG-A. GRCh37 (hg19) VCF-style: chr17-61800679-AG-A.
Other names: c.77del, p.Pro26fs (NM_001363786.1); c.101del, p.Pro34fs (NM_001363788.1, NM_001411083.1, NM_001411085.1); c.12+5038del (NM_001363789.1, NM_001003786.3, NM_153335.6); c.-52+3318del (NM_001363790.1, NM_001363791.1, NM_001003788.3); c.36+5014del (NM_001165969.2, NM_001363787.1, NM_001411084.1); c.94+3318del (NM_001165970.2); short protein forms P34fs, P26fs.
Identifiers: ClinVar variation 2700850 (VCV002700850.3), dbSNP rs2511197105, ClinGen allele CA2697555080.
Genomic context (GRCh38, chr17:63,723,319, plus strand): 5'-TGCAACAGCCATAGTGCTAGGGCCTAGGAAGCCACTTACTTTTCTCCGAGTGTCACCCGG[AG>A]GCTGCTCTGGGGTAGAGAAATTGATTGTTGGCATTTTGTGTTTTAGCAGAAGACACACCC-3'